The following is an entry in ClinVar:

ClinVar aggregate classification (germline): Likely pathogenic. Review status: criteria provided, single submitter (1 of 4 stars). 2 submissions from 2 submitters: Likely pathogenic (1). 1 of the submissions does not count toward it. Last evaluated 2026-03-13.

Conditions:
Congenital contractures of the limbs and face, hypotonia, and developmental delay (CLIFAHDD). Identifiers: Orphanet 562528, MedGen C4225398, MONDO:0014556, OMIM 616266.

Submissions (2):

Molecular Diagnostics Laboratory, M Health Fairview: University of Minnesota
Classification: Likely pathogenic for Congenital contractures of the limbs and face, hypotonia, and developmental delay. Last evaluated: 2026-03-13. Review status: criteria provided, single submitter. Criteria: ACMG Guidelines, 2015. Collection method: clinical testing. Allele origin: germline. Affected: yes.
Comment: The c.1789G>A (p.Val597Ile) variant in NALCN is absent from the gnomAD v.4.1 control database. This variant has been identified in a single published proband diagnosed with intellectual disability and contractures in childhood who later developed adult-onset cerebellar ataxia [PMID: 27633718]. In this publication, the authors noted a de novo occurence as the variant was absent in both parents and an unaffected sibling by whole exome sequencing. In silico models provide damaging predictions for this variant, but the accuracy of these models is limited. Based upon the available information, this variant is classified as likely pathogenic.

OMIM
Classification: Pathogenic for CONGENITAL CONTRACTURES OF THE LIMBS AND FACE, HYPOTONIA, AND DEVELOPMENTAL DELAY. Last evaluated: 2022-07-31. Review status: no assertion criteria provided. Collection method: literature only. Allele origin: germline. Not counted in ClinVar's aggregate classification.

Literature cited by the submitters: PubMed 27633718 (cited by Molecular Diagnostics Laboratory, M Health Fairview: University of Minnesota and OMIM).

NM_052867.4(NALCN):c.1789G>A (p.Val597Ile)

Gene: NALCN (sodium leak channel, non-selective; minus strand). Cytogenetic location: 13q33.1.
Variant type: single nucleotide variant.
Coding change: c.1789G>A on transcript NM_052867.4 (MANE Select); coding-DNA position 1789, G replaced by A.
Protein change: p.Val597Ile; replaces valine 597 with isoleucine.
Molecular consequence: missense variant.
Genome position (GRCh38, 1-based): chr13:101,176,350, C>T on the plus strand (G>A on the coding strand, the complement: NALCN is on the minus strand). VCF-style: chr13-101176350-C-T. GRCh37 (hg19) VCF-style: chr13-101828701-C-T.
Other names: V597I; c.1789G>A, p.Val597Ile (NM_001350748.2, NM_001350749.2); c.1702G>A, p.Val568Ile (NM_001350750.2, NM_001350751.2); short protein forms V568I.
Identifiers: ClinVar variation 1698711 (VCV001698711.2), dbSNP rs2139938691, ClinGen allele CA388702909.